The following is an entry in ClinVar:

NM_002972.4(SBF1):c.4782C>G (p.His1594Gln)

Gene: SBF1 (SET binding factor 1; minus strand). Cytogenetic location: 22q13.33.
Variant type: single nucleotide variant.
Coding change: c.4782C>G on transcript NM_002972.4 (MANE Select); coding-DNA position 4782, C replaced by G.
Protein change: p.His1594Gln; replaces histidine 1594 with glutamine.
Molecular consequence: missense variant.
Genome position (GRCh38, 1-based): chr22:50,454,844, G>C on the plus strand (C>G on the coding strand, the complement: SBF1 is on the minus strand). VCF-style: chr22-50454844-G-C. GRCh37 (hg19) VCF-style: chr22-50893273-G-C.
Other names: c.4707C>G, p.His1569Gln (NM_001365819.1); c.4785C>G, p.His1595Gln (NM_001410794.1); c.4704C>G, p.His1568Gln (NM_001410795.1); c.4782C>G, p.His1594Gln (NM_197971.1); short protein forms H1569Q, H1594Q, H1595Q, H1568Q.
Identifiers: ClinVar variation 1936067 (VCV001936067.2), dbSNP rs370152277, ClinGen allele CA325527990.

ClinVar aggregate classification (germline): Uncertain significance (1 of 4 stars; one submission).

Allele frequency attached by ClinVar (database versions not stated): gnomAD 0.00001; TOPMed 0.00002; gnomAD exomes 0.00003; ESP Exome Variant Server 0.00008.
gnomAD v4.1: 38 of 1,613,932 alleles (0.0024%); highest among the groups gnomAD compares: Non-Finnish European, 0.0031%; no homozygotes.

Submission:

Labcorp Genetics (formerly Invitae), Labcorp
Classification: Uncertain significance. Last evaluated: 2022-05-19. Review status: criteria provided, single submitter. Criteria: Invitae Variant Classification Sherloc (09022015). Collection method: clinical testing. Allele origin: germline.
Comment: This sequence change replaces histidine, which is basic and polar, with glutamine, which is neutral and polar, at codon 1594 of the SBF1 protein (p.His1594Gln). This variant is present in population databases (rs370152277, gnomAD 0.01%). This variant has not been reported in the literature in individuals affected with SBF1-related conditions. Algorithms developed to predict the effect of missense changes on protein structure and function are either unavailable or do not agree on the potential impact of this missense change (SIFT: "Deleterious"; PolyPhen-2: "Benign"; Align-GVGD: "Class C0"). In summary, the available evidence is currently insufficient to determine the role of this variant in disease. Therefore, it has been classified as a Variant of Uncertain Significance.